The following is an entry in ClinVar:

ClinVar aggregate classification (germline): Uncertain significance (1 of 4 stars; one submission).

Conditions:
Neurodegeneration with brain iron accumulation 6 (NBIA6). Also called: COASY protein-associated neurodegeneration. Identifiers: Orphanet 397725, MedGen C4517377, MONDO:0014290, OMIM 615643.

Submission:

Labcorp Genetics (formerly Invitae), Labcorp
Classification: Uncertain significance for Neurodegeneration with brain iron accumulation 6. Last evaluated: 2022-10-05. Review status: criteria provided, single submitter. Criteria: Invitae Variant Classification Sherloc (09022015). Collection method: clinical testing. Allele origin: germline.
Comment: In summary, the available evidence is currently insufficient to determine the role of this variant in disease. Therefore, it has been classified as a Variant of Uncertain Significance. Advanced modeling of protein sequence and biophysical properties (such as structural, functional, and spatial information, amino acid conservation, physicochemical variation, residue mobility, and thermodynamic stability) performed at Invitae indicates that this missense variant is not expected to disrupt COASY protein function. ClinVar contains an entry for this variant (Variation ID: 1360540). This variant has not been reported in the literature in individuals affected with COASY-related conditions. This variant is not present in population databases (gnomAD no frequency). This sequence change replaces valine, which is neutral and non-polar, with aspartic acid, which is acidic and polar, at codon 104 of the COASY protein (p.Val104Asp).

NM_025233.7(COASY):c.311T>A (p.Val104Asp)

Gene: COASY (Coenzyme A synthase; plus strand). Cytogenetic location: 17q21.2.
Variant type: single nucleotide variant.
Coding change: c.311T>A on transcript NM_025233.7 (MANE Select); coding-DNA position 311, T replaced by A.
Protein change: p.Val104Asp; replaces valine 104 with aspartic acid.
Molecular consequence: missense variant.
Genome position (GRCh38, 1-based): chr17:42,562,933, T>A. VCF-style: chr17-42562933-T-A. GRCh37 (hg19) VCF-style: chr17-40714951-T-A.
Other names: c.311T>A, p.Val104Asp (NM_001042529.3); c.398T>A, p.Val133Asp (NM_001042532.4); short protein forms V104D, V133D.
Identifiers: ClinVar variation 1360540 (VCV001360540.8), dbSNP rs2143194446, ClinGen allele CA399617437.